The following is an entry in ClinVar:

ClinVar aggregate classification (germline): Uncertain significance (1 of 4 stars; one submission).

gnomAD v4.1: 13 of 1,614,108 alleles (0.00081%); highest among the groups gnomAD compares: South Asian, 0.0077%; no homozygotes.

Submission:

Labcorp Genetics (formerly Invitae), Labcorp
Classification: Uncertain significance. Last evaluated: 2025-11-24. Review status: criteria provided, single submitter. Criteria: Invitae Variant Classification Sherloc (09022015). Collection method: clinical testing. Allele origin: germline.
Comment: This sequence change replaces proline, which is neutral and non-polar, with leucine, which is neutral and non-polar, at codon 265 of the IGF1R protein (p.Pro265Leu). The frequency data for this variant in the population databases is considered unreliable, as metrics indicate poor data quality at this position in the gnomAD database. This variant has not been reported in the literature in individuals affected with IGF1R-related conditions. Invitae Evidence Modeling of protein sequence and biophysical properties (such as structural, functional, and spatial information, amino acid conservation, physicochemical variation, residue mobility, and thermodynamic stability) has been performed for this missense variant. However, the output from this modeling did not meet the statistical confidence thresholds required to predict the impact of this variant on IGF1R protein function. In summary, the available evidence is currently insufficient to determine the role of this variant in disease. Therefore, it has been classified as a Variant of Uncertain Significance.

NM_000875.5(IGF1R):c.794C>T (p.Pro265Leu)

Gene: IGF1R (insulin like growth factor 1 receptor; plus strand). Cytogenetic location: 15q26.3.
Variant type: single nucleotide variant.
Coding change: c.794C>T on transcript NM_000875.5 (MANE Select); coding-DNA position 794, C replaced by T.
Protein change: p.Pro265Leu; replaces proline 265 with leucine.
Molecular consequence: missense variant.
Genome position (GRCh38, 1-based): chr15:98,891,478, C>T. VCF-style: chr15-98891478-C-T. GRCh37 (hg19) VCF-style: chr15-99434707-C-T.
Other names: c.794C>T, p.Pro265Leu (NM_001291858.2); short protein forms P265L.
Identifiers: ClinVar variation 4708009 (VCV004708009.1).